The following is an entry in ClinVar:

ClinVar aggregate classification (germline): Benign/Likely benign. Review status: criteria provided, multiple submitters, no conflicts (2 of 4 stars). 3 submissions from 3 submitters: Benign (1); Likely benign (2). Last evaluated 2025-06-14.

Conditions:
Familial cancer of breast. Also called: Hereditary breast cancer; hereditary breast carcinoma; BREAST CANCER, FAMILIAL. Identifiers: Orphanet 227535, MedGen C0346153, MONDO:0016419, OMIM 114480. Disease mechanism: loss of function.
Hereditary cancer-predisposing syndrome. Also called: Hereditary Cancer Syndrome; Hereditary neoplastic syndrome; Neoplastic Syndromes, Hereditary; Tumor predisposition. Identifiers: Orphanet 140162, MedGen C0027672, MeSH D009386, MONDO:0015356.

Submissions (3):

Ambry Genetics
Classification: Likely benign for Hereditary cancer-predisposing syndrome. Last evaluated: 2025-06-14. Review status: criteria provided, single submitter. Criteria: Ambry Variant Classification Scheme 2023. Collection method: clinical testing. Allele origin: germline.

Labcorp Genetics (formerly Invitae), Labcorp
Classification: Likely benign for Familial cancer of breast. Last evaluated: 2025-02-18. Review status: criteria provided, single submitter. Criteria: Invitae Variant Classification Sherloc (09022015). Collection method: clinical testing. Allele origin: germline.

Myriad Genetics, Inc.
Classification: Benign for Familial cancer of breast. Last evaluated: 2025-01-14. Review status: criteria provided, single submitter. Criteria: Myriad Autosomal Dominant, Autosomal Recessive and X-Linked Classification Criteria (2023). Collection method: clinical testing. Allele origin: unknown.
Comment: This variant is considered benign. This variant is a silent/synonymous amino acid change and it is not expected to impact splicing.

NM_024675.4(PALB2):c.1893A>C (p.Ser631=)

Gene: PALB2 (partner and localizer of BRCA2; minus strand). Cytogenetic location: 16p12.2.
Variant type: single nucleotide variant.
Coding change: c.1893A>C on transcript NM_024675.4 (MANE Select); coding-DNA position 1893, A replaced by C.
Protein change: p.Ser631=; no amino-acid change (serine 631 retained).
Molecular consequence: synonymous variant. On other transcripts: intron variant (1).
Genome position (GRCh38, 1-based): chr16:23,630,261, T>G on the plus strand (A>C on the coding strand, the complement: PALB2 is on the minus strand). VCF-style: chr16-23630261-T-G. GRCh37 (hg19) VCF-style: chr16-23641582-T-G.
Other names: c.1833A>C, p.Ser611= (NM_001407296.1); c.1893A>C, p.Ser631= (NM_001407297.1, NM_001407298.1, NM_001407299.1 and 3 more transcripts); c.1008A>C, p.Ser336= (NM_001407304.1, NM_001407305.1, NM_001407306.1 and 5 more transcripts); c.105A>C, p.Ser35= (NM_001407312.1, NM_001407313.1); c.49-986A>C (NM_001407314.1).
Identifiers: ClinVar variation 3903585 (VCV003903585.3).
Genomic context (GRCh38, chr16:23,630,261, plus strand): 5'-TCCCTCTTTAAGATGTCTCTCTCCAAACATTTTTGACTCAAAGGGCTCCACTGGTTTTTC[T>G]GAGCAGGACTTCACTTTTTCAAGCTTAAGAGGTCCAAAGTCTTCATCAGGTAACTGAAAG-3'
Protein context (NP_078951.2, residues 621-641): PLKLEKVKSC[Ser631=]EKPVEPFESK